The following is an entry in ClinVar:

NC_000023.10:g.(?_53263381)_(53449569_?)dup

Genes: IQSEC2 (IQ motif and Sec7 domain ArfGEF 2; minus strand), SMC1A (structural maintenance of chromosomes 1A; minus strand). Cytogenetic location: Xp11.22.
Variant type: Duplication.
Identifiers: ClinVar variation 538619 (VCV000538619.2).

ClinVar aggregate classification (germline): Uncertain significance (1 of 4 stars; one submission).

Conditions:
Intellectual developmental disorder, X-linked 1. Also called: MENTAL RETARDATION, X-LINKED 18; MENTAL RETARDATION, X-LINKED 78; Intellectual disability, X-linked 1; Atkin Flaitz Patil Smith syndrome. Identifiers: Orphanet 777, MedGen C2931498, MONDO:0010656, OMIM 309530.

Submission:

Labcorp Genetics (formerly Invitae), Labcorp
Classification: Uncertain significance for Mental retardation, X-linked 1. Last evaluated: 2019-09-09. Review status: criteria provided, single submitter. Criteria: Invitae Variant Classification Sherloc (09022015). Collection method: clinical testing. Allele origin: germline.
Comment: A gross duplication of the genomic region encompassing the full coding sequence of the IQSEC2 gene has been identified. The boundaries of this event are unknown as the duplication extends beyond the assayed region for this gene and therefore may encompass additional genes. As the precise location of this duplication is unknown, it may be in tandem or it may be located elsewhere in the genome. A duplication of the entire IQSEC2 coding sequence has not been reported in the literature in individuals with a IQSEC2-related disease. Experimental studies are not available for this variant, and the functional significance of this duplication is currently unknown. In summary, the genomic location of this duplication is unknown and the impact of this variant on IQSEC2 protein function has not been established. Therefore, it has been classified as a Variant of Uncertain Significance.